The following is an entry in ClinVar:

ClinVar aggregate classification (germline): Likely benign. Review status: reviewed by expert panel (3 of 4 stars). 4 submissions from 4 submitters: Likely benign (1). 3 of the submissions do not count toward it. Last evaluated 2023-08-28.

Conditions:
Inborn genetic diseases. Identifiers: MedGen C0950123, MeSH D030342.
Pitt-Hopkins syndrome (PTHS). Also called: ENCEPHALOPATHY, SEVERE EPILEPTIC, WITH AUTONOMIC DYSFUNCTION; MENTAL RETARDATION, SYNDROMAL, WITH INTERMITTENT HYPERVENTILATION. Identifiers: Orphanet 2896, MedGen C1970431, MONDO:0012589, OMIM 610954.

Allele frequency attached by ClinVar (database versions not stated): gnomAD 0.00001; ExAC 0.00002; gnomAD exomes 0.00002 and 0.00003; TOPMed 0.00002; ESP Exome Variant Server 0.00015.
gnomAD v4.1: 15 of 1,613,894 alleles (0.00093%); highest among the groups gnomAD compares: South Asian, 0.0022%; no homozygotes.

Submissions (4):

ClinGen Rett and Angelman-like Disorders Variant Curation Expert Panel
Classification: Likely benign for Pitt-Hopkins syndrome. Last evaluated: 2023-08-28. Review status: reviewed by expert panel. Criteria: ClinGen RettAS ACMG Specifications TCF4 V3.0.0. Collection method: curation. Allele origin: germline.
Comment: The p.Asn195Ser variant in TCF4 is present in 3 female and 5 male individuals in gnomAD (0.005%) (not sufficient to meet BS1 criteria). The p.Asn195Ser variant is observed in at least 2 unaffected individuals (internal database) (BS2). Computational analysis prediction tools suggest that the p.Asn195Ser variant does not have a deleterious impact; however this information does not predict clinical significance on its own (BP4). In summary, the p.Asn195Ser variant in TCF4 is classified as likely benign based on the ACMG/AMP criteria (BS2, BP4, BP5).

Ambry Genetics
Classification: Likely benign for Inborn genetic diseases. Last evaluated: 2025-01-08. Review status: criteria provided, single submitter. Criteria: Ambry Variant Classification Scheme 2023. Collection method: clinical testing. Allele origin: germline. Not counted in ClinVar's aggregate classification.

Labcorp Genetics (formerly Invitae), Labcorp
Classification: Uncertain significance for Pitt-Hopkins syndrome. Last evaluated: 2023-10-16. Review status: criteria provided, single submitter. Criteria: Invitae Variant Classification Sherloc (09022015). Collection method: clinical testing. Allele origin: germline. Not counted in ClinVar's aggregate classification.
Comment: This sequence change replaces asparagine, which is neutral and polar, with serine, which is neutral and polar, at codon 195 of the TCF4 protein (p.Asn195Ser). This variant is present in population databases (rs148573556, gnomAD 0.004%). This variant has not been reported in the literature in individuals affected with TCF4-related conditions. ClinVar contains an entry for this variant (Variation ID: 207546). Advanced modeling of protein sequence and biophysical properties (such as structural, functional, and spatial information, amino acid conservation, physicochemical variation, residue mobility, and thermodynamic stability) performed at Invitae indicates that this missense variant is not expected to disrupt TCF4 protein function. In summary, the available evidence is currently insufficient to determine the role of this variant in disease. Therefore, it has been classified as a Variant of Uncertain Significance.

GeneDx
Classification: Likely benign. Last evaluated: 2021-06-07. Review status: criteria provided, single submitter. Criteria: GeneDx Variant Classification Process June 2021. Collection method: clinical testing. Allele origin: germline. Affected: yes. Not counted in ClinVar's aggregate classification.

NM_001083962.2(TCF4):c.584A>G (p.Asn195Ser)

Gene: TCF4 (transcription factor 4; minus strand). Cytogenetic location: 18q21.2.
Variant type: single nucleotide variant.
Coding change: c.584A>G on transcript NM_001083962.2 (MANE Select); coding-DNA position 584, A replaced by G.
Protein change: p.Asn195Ser; replaces asparagine 195 with serine.
Molecular consequence: missense variant. On other transcripts: 5 prime UTR variant (1).
Genome position (GRCh38, 1-based): chr18:55,279,622, T>C on the plus strand (A>G on the coding strand, the complement: TCF4 is on the minus strand). VCF-style: chr18-55279622-T-C. GRCh37 (hg19) VCF-style: chr18-52946853-T-C.
Other names: p.N195S:AAT>AGT; NM_001083962.2(TCF4):c.584A>G; p.Asn195Ser; c.890A>G, p.Asn297Ser (NM_001243226.3); c.512A>G, p.Asn171Ser (NM_001243227.2, NM_001306207.1, NM_001348217.1 and 9 more transcripts); c.602A>G, p.Asn201Ser (NM_001243228.2); c.578A>G, p.Asn193Ser (NM_001243230.2); c.458A>G, p.Asn153Ser (NM_001243231.2, NM_001348211.2); and 7 more; short protein forms N195S, N170S, N171S, N193S, N194S, N65S, N124S, N201S.
Identifiers: ClinVar variation 207546 (VCV000207546.12), dbSNP rs148573556, ClinGen allele CA319122.
Genomic context (GRCh38, chr18:55,279,622, plus strand): 5'-AAGGAGCTAGGGAAAGTGCTGGTTGCTGGTTTGGAGGAAGGATAGCCTGGCGAGTCCCTA[T>C]TGTAGTCGGCAGTGCTTGCTGATGGAGCATAGACCTGAGGAGAAAGAACCAACTGAGTTT-3'
Protein context (NP_001077431.1, residues 185-205): YAPSASTADY[Asn195Ser]RDSPGYPSSK